The following is an entry in ClinVar:

NM_001267550.2(TTN):c.14676del (p.Glu4893fs)

Gene: TTN (titin; minus strand). Cytogenetic location: 2q31.2.
Variant type: Deletion.
Coding change: c.14676del on transcript NM_001267550.2 (MANE Select); coding-DNA position 14676, one base deleted (A; older notation c.14676delA).
Protein change: p.Glu4893fs; shifts the reading frame from glutamic acid 4893.
Molecular consequence: frameshift variant. On other transcripts: intron variant (3).
Genome position (GRCh38, 1-based): chr2:178,735,770, T deleted on the plus strand (A on the coding strand, the reverse complement: TTN is on the minus strand); the first of 3 consecutive T bases (chr2:178,735,770-178,735,772); deleting any one gives the same sequence. VCF-style (leftmost placement, unchanged base first): chr2-178735769-CT-C. GRCh37 (hg19) VCF-style: chr2-179600496-CT-C.
Other names: c.13725del, p.Glu4576fs (NM_001256850.1); c.10944del, p.Glu3649fs (NM_133378.4); c.13282+2312del (NM_003319.4); c.13858+2312del (NM_133437.4); c.13657+2312del (NM_133432.3); short protein forms E3649fs, E4576fs, E4893fs.
Identifiers: ClinVar variation 2103185 (VCV002103185.4), dbSNP rs2530363751, ClinGen allele CA2580065187.
Genomic context (GRCh38, chr2:178,735,769, plus strand): 5'-CATCTACTTGGCACTCAAGGTGGACCTTCTTATTGATAGCGGACTGCACAGGCTCTAATT[CT>C]TTAATGAAATGTGGCTTATCAATGATGATCAACTCTGCTTGGCAGATGTCTGCTCCAAAC-3'

ClinVar aggregate classification (germline): Likely pathogenic (1 of 4 stars; one submission).

Conditions:
Dilated cardiomyopathy 1G (CMD1G). Identifiers: Orphanet 154, MedGen C1858763, MONDO:0011400, OMIM 604145.
Autosomal recessive limb-girdle muscular dystrophy type 2J (LGMDR10). Also called: Limb-girdle muscular dystrophy, type 2J; MUSCULAR DYSTROPHY, LIMB-GIRDLE, AUTOSOMAL RECESSIVE 10. Identifiers: Orphanet 140922, MedGen C1837342, MONDO:0012127, OMIM 608807.

Submission:

Labcorp Genetics (formerly Invitae), Labcorp
Classification: Likely pathogenic for Dilated cardiomyopathy 1G; Autosomal recessive limb-girdle muscular dystrophy type 2J. Last evaluated: 2024-11-04. Review status: criteria provided, single submitter. Criteria: Invitae Variant Classification Sherloc (09022015). Collection method: clinical testing. Allele origin: germline.
Comment: This sequence change creates a premature translational stop signal (p.Glu4893Asnfs*2) in the TTN gene. While this is not anticipated to result in nonsense mediated decay, it is expected to create a truncated TTN protein. This variant is not present in population databases (gnomAD no frequency). This variant has not been reported in the literature in individuals affected with TTN-related conditions. ClinVar contains an entry for this variant (Variation ID: 2103185). This variant is located in the I band of TTN (PMID: 25589632). Truncating variants in this region have been reported in individuals affected with autosomal recessive centronuclear myopathy (PMID: 23975875, internal data). Truncating variants in this region have also been identified in individuals affected with autosomal dominant dilated cardiomyopathy and/or cardio-related conditions (PMID: 27869827, 32964742, internal data). In summary, the currently available evidence indicates that the variant is pathogenic, but additional data are needed to prove that conclusively. Therefore, this variant has been classified as Likely Pathogenic.

Literature cited by the submitters: PubMed 25589632; PubMed 23975875; PubMed 27869827; PubMed 32964742.